The following is an entry in ClinVar:

ClinVar aggregate classification (germline): Uncertain significance. Review status: criteria provided, multiple submitters, no conflicts (2 of 4 stars). 2 submissions from 2 submitters: Uncertain significance (2). Last evaluated 2025-04-03.

Conditions:
Inborn genetic diseases. Identifiers: MedGen C0950123, MeSH D030342.

Allele frequency attached by ClinVar (database versions not stated): ESP Exome Variant Server 0.00022.

Submissions (2):

GeneDx
Classification: Uncertain significance. Last evaluated: 2025-04-03. Review status: criteria provided, single submitter. Criteria: GeneDx Variant Classification Process June 2021. Collection method: clinical testing. Allele origin: germline. Affected: yes.
Comment: In silico analysis supports that this missense variant has a deleterious effect on protein structure/function; Has not been previously published as pathogenic or benign to our knowledge

Ambry Genetics
Classification: Uncertain significance for Inborn genetic diseases. Last evaluated: 2023-07-05. Review status: criteria provided, single submitter. Criteria: Ambry Variant Classification Scheme 2023. Collection method: clinical testing. Allele origin: germline.

NM_001129820.2(SLFN14):c.139C>T (p.Arg47Trp)

Gene: SLFN14 (schlafen family member 14; minus strand). Cytogenetic location: 17q12.
Variant type: single nucleotide variant.
Coding change: c.139C>T on transcript NM_001129820.2 (MANE Select); coding-DNA position 139, C replaced by T.
Protein change: p.Arg47Trp; replaces arginine 47 with tryptophan.
Molecular consequence: missense variant.
Genome position (GRCh38, 1-based): chr17:35,557,924, G>A on the plus strand (C>T on the coding strand, the complement: SLFN14 is on the minus strand). VCF-style: chr17-35557924-G-A. GRCh37 (hg19) VCF-style: chr17-33884943-G-A.
Other names: short protein forms R47W.
Identifiers: ClinVar variation 2589712 (VCV002589712.3), dbSNP rs371510564, ClinGen allele CA8504715.